The following is an entry in ClinVar:

NM_198578.4(LRRK2):c.6613G>A (p.Val2205Met)

Gene: LRRK2 (leucine rich repeat kinase 2; plus strand). Cytogenetic location: 12q12.
Variant type: single nucleotide variant.
Coding change: c.6613G>A on transcript NM_198578.4 (MANE Select); coding-DNA position 6613, G replaced by A.
Protein change: p.Val2205Met; replaces valine 2205 with methionine.
Molecular consequence: missense variant.
Genome position (GRCh38, 1-based): chr12:40,354,335, G>A. VCF-style: chr12-40354335-G-A. GRCh37 (hg19) VCF-style: chr12-40748137-G-A.
Other names: short protein forms V2205M.
Identifiers: ClinVar variation 3291989 (VCV003291989.1).

ClinVar aggregate classification (germline): Uncertain significance (1 of 4 stars; one submission).

Conditions:
Inborn genetic diseases. Identifiers: MedGen C0950123, MeSH D030342.

Submission:

Ambry Genetics
Classification: Uncertain significance for Inborn genetic diseases. Last evaluated: 2024-05-04. Review status: criteria provided, single submitter. Criteria: Ambry Variant Classification Scheme 2023. Collection method: clinical testing. Allele origin: germline.
Comment: The p.V2205M variant (also known as c.6613G>A), located in coding exon 45 of the LRRK2 gene, results from a G to A substitution at nucleotide position 6613. The valine at codon 2205 is replaced by methionine, an amino acid with highly similar properties. This amino acid position is conserved. In addition, the in silico prediction for this alteration is inconclusive. Based on the available evidence, the clinical significance of this variant remains unclear.